The following is an entry in ClinVar:

ClinVar aggregate classification (germline): Uncertain significance (1 of 4 stars; one submission).

Conditions:
Developmental and epileptic encephalopathy, 11 (DEE11). Also called: Early infantile epileptic encephalopathy 11. Identifiers: Orphanet 1934, MedGen C3150987, MONDO:0013388, OMIM 613721.
Seizures, benign familial infantile, 3 (BFIS3). Also called: CONVULSIONS, BENIGN FAMILIAL INFANTILE, 3; Familial neonatal seizures. Identifiers: Orphanet 140927, Orphanet 306, MedGen C1843140, MONDO:0011904, OMIM 607745.

Submission:

Labcorp Genetics (formerly Invitae), Labcorp
Classification: Uncertain significance for Seizures, benign familial infantile, 3; Developmental and epileptic encephalopathy, 11. Last evaluated: 2025-01-19. Review status: criteria provided, single submitter. Criteria: Invitae Variant Classification Sherloc (09022015). Collection method: clinical testing. Allele origin: germline.
Comment: This sequence change replaces arginine, which is basic and polar, with serine, which is neutral and polar, at codon 1917 of the SCN2A protein (p.Arg1917Ser). This variant is not present in population databases (gnomAD no frequency). This variant has not been reported in the literature in individuals affected with SCN2A-related conditions. Invitae Evidence Modeling of protein sequence and biophysical properties (such as structural, functional, and spatial information, amino acid conservation, physicochemical variation, residue mobility, and thermodynamic stability) indicates that this missense variant is expected to disrupt SCN2A protein function with a positive predictive value of 95%. In summary, the available evidence is currently insufficient to determine the role of this variant in disease. Therefore, it has been classified as a Variant of Uncertain Significance.

NM_001040142.2(SCN2A):c.5751A>T (p.Arg1917Ser)

Gene: SCN2A (sodium voltage-gated channel alpha subunit 2; plus strand). Cytogenetic location: 2q24.3.
Variant type: single nucleotide variant.
Coding change: c.5751A>T on transcript NM_001040142.2 (MANE Select); coding-DNA position 5751, A replaced by T.
Protein change: p.Arg1917Ser; replaces arginine 1917 with serine.
Molecular consequence: missense variant.
Genome position (GRCh38, 1-based): chr2:165,389,557, A>T. VCF-style: chr2-165389557-A-T. GRCh37 (hg19) VCF-style: chr2-166246067-A-T.
Other names: c.5751A>T, p.Arg1917Ser (NM_001040143.2, NM_001371246.1, NM_001371247.1 and 1 more transcripts); short protein forms R1917S.
Identifiers: ClinVar variation 3753272 (VCV003753272.2).